The following is an entry in ClinVar:

NM_004958.4(MTOR):c.1589A>G (p.Gln530Arg)

Gene: MTOR (mechanistic target of rapamycin kinase; minus strand). Cytogenetic location: 1p36.22.
Variant type: single nucleotide variant.
Coding change: c.1589A>G on transcript NM_004958.4 (MANE Select); coding-DNA position 1589, A replaced by G.
Protein change: p.Gln530Arg; replaces glutamine 530 with arginine.
Molecular consequence: missense variant.
Genome position (GRCh38, 1-based): chr1:11,240,500, T>C on the plus strand (A>G on the coding strand, the complement: MTOR is on the minus strand). VCF-style: chr1-11240500-T-C. GRCh37 (hg19) VCF-style: chr1-11300557-T-C.
Other names: c.1589A>G, p.Gln530Arg (NM_001386500.1); c.341A>G, p.Gln114Arg (NM_001386501.1); short protein forms Q114R, Q530R.
Identifiers: ClinVar variation 4799849 (VCV004799849.1).

ClinVar aggregate classification (germline): Uncertain significance (1 of 4 stars; one submission).

Submission:

Labcorp Genetics (formerly Invitae), Labcorp
Classification: Uncertain significance. Last evaluated: 2025-08-06. Review status: criteria provided, single submitter. Criteria: Invitae Variant Classification Sherloc (09022015). Collection method: clinical testing. Allele origin: germline.
Comment: This sequence change replaces glutamine, which is neutral and polar, with arginine, which is basic and polar, at codon 530 of the MTOR protein (p.Gln530Arg). This variant is not present in population databases (gnomAD no frequency). This variant has not been reported in the literature in individuals affected with MTOR-related conditions. Invitae Evidence Modeling of protein sequence and biophysical properties (such as structural, functional, and spatial information, amino acid conservation, physicochemical variation, residue mobility, and thermodynamic stability) indicates that this missense variant is not expected to disrupt MTOR protein function with a negative predictive value of 95%. In summary, the available evidence is currently insufficient to determine the role of this variant in disease. Therefore, it has been classified as a Variant of Uncertain Significance.